The following is an entry in ClinVar:

ClinVar aggregate classification (germline): Uncertain significance (1 of 4 stars; one submission).

Submission:

Labcorp Genetics (formerly Invitae), Labcorp
Classification: Uncertain significance. Last evaluated: 2021-11-07. Review status: criteria provided, single submitter. Criteria: Invitae Variant Classification Sherloc (09022015). Collection method: clinical testing. Allele origin: germline.
Comment: In summary, the available evidence is currently insufficient to determine the role of this variant in disease. Therefore, it has been classified as a Variant of Uncertain Significance. Advanced modeling of protein sequence and biophysical properties (such as structural, functional, and spatial information, amino acid conservation, physicochemical variation, residue mobility, and thermodynamic stability) performed at Invitae indicates that this missense variant is expected to disrupt FH protein function. This variant has not been reported in the literature in individuals affected with FH-related conditions. This variant is not present in population databases (gnomAD no frequency). This sequence change replaces lysine, which is basic and polar, with isoleucine, which is neutral and non-polar, at codon 221 of the FH protein (p.Lys221Ile).

NM_000143.4(FH):c.662A>T (p.Lys221Ile)

Gene: FH (fumarate hydratase; minus strand). Cytogenetic location: 1q43.
Variant type: single nucleotide variant.
Coding change: c.662A>T on transcript NM_000143.4 (MANE Select); coding-DNA position 662, A replaced by T.
Protein change: p.Lys221Ile; replaces lysine 221 with isoleucine.
Molecular consequence: missense variant.
Genome position (GRCh38, 1-based): chr1:241,508,679, T>A on the plus strand (A>T on the coding strand, the complement: FH is on the minus strand). VCF-style: chr1-241508679-T-A. GRCh37 (hg19) VCF-style: chr1-241671979-T-A.
Other names: short protein forms K221I.
Identifiers: ClinVar variation 1414208 (VCV001414208.6), dbSNP rs2147919540, ClinGen allele CA345439292.